The following is an entry in ClinVar:

ClinVar aggregate classification (germline): Uncertain significance (1 of 4 stars; one submission).

gnomAD v4.1: 1 of 1,591,472 alleles (0.000063%); highest among the groups gnomAD compares: Non-Finnish European, 0.000086%; no homozygotes.

Submission:

Labcorp Genetics (formerly Invitae), Labcorp
Classification: Uncertain significance. Last evaluated: 2020-08-25. Review status: criteria provided, single submitter. Criteria: Invitae Variant Classification Sherloc (09022015). Collection method: clinical testing. Allele origin: germline.
Comment: This sequence change replaces isoleucine with asparagine at codon 239 of the CCT2 protein (p.Ile239Asn). The isoleucine residue is highly conserved and there is a large physicochemical difference between isoleucine and asparagine. This variant is not present in population databases (ExAC no frequency). This variant has not been reported in the literature in individuals with CCT2-related conditions. Algorithms developed to predict the effect of missense changes on protein structure and function (SIFT, PolyPhen-2, Align-GVGD) all suggest that this variant is likely to be disruptive, but these predictions have not been confirmed by published functional studies and their clinical significance is uncertain. In summary, the available evidence is currently insufficient to determine the role of this variant in disease. Therefore, it has been classified as a Variant of Uncertain Significance.

NM_006431.3(CCT2):c.716T>A (p.Ile239Asn)

Gene: CCT2 (chaperonin containing TCP1 subunit 2; plus strand). Cytogenetic location: 12q15.
Variant type: single nucleotide variant.
Coding change: c.716T>A on transcript NM_006431.3 (MANE Select); coding-DNA position 716, T replaced by A.
Protein change: p.Ile239Asn; replaces isoleucine 239 with asparagine.
Molecular consequence: missense variant.
Genome position (GRCh38, 1-based): chr12:69,592,125, T>A. VCF-style: chr12-69592125-T-A. GRCh37 (hg19) VCF-style: chr12-69985905-T-A.
Other names: c.575T>A, p.Ile192Asn (NM_001198842.2); short protein forms I192N, I239N.
Identifiers: ClinVar variation 1015378 (VCV001015378.8), dbSNP rs1404177453, ClinGen allele CA385728131.